The following is an entry in ClinVar:

ClinVar aggregate classification (germline): Uncertain significance (1 of 4 stars; one submission).

Allele frequency attached by ClinVar (database versions not stated): ExAC 0.00001; gnomAD 0.00001; TOPMed 0.00002; ESP Exome Variant Server 0.00009; gnomAD exomes 0.00001.
gnomAD v4.1: 9 of 1,198,504 alleles (0.00075%); highest among the groups gnomAD compares: Non-Finnish European, 0.001%; no homozygotes.

Submission:

Women's Health and Genetics/Laboratory Corporation of America, LabCorp
Classification: Uncertain significance. Last evaluated: 2020-05-20. Review status: criteria provided, single submitter. Criteria: LabCorp Variant Classification Summary - May 2015. Collection method: clinical testing. Allele origin: germline.
Comment: Variant summary: USP9X c.437G>A (p.Arg146Lys) results in a conservative amino acid change in the encoded protein sequence. Four of five in-silico tools predict a benign effect of the variant on protein function. The variant allele was found at a frequency of 1.1e-05 in 181381 control chromosomes (gnomAD). The available data on variant occurrences in the general population are insufficient to allow any conclusion about variant significance. To our knowledge, no occurrence of c.437G>A in individuals affected with Mental Retardation, X-Linked 99 and no experimental evidence demonstrating its impact on protein function have been reported. No clinical diagnostic laboratories have submitted clinical-significance assessments for this variant to ClinVar after 2014. Based on the evidence outlined above, the variant was classified as uncertain significance.

NM_001039591.3(USP9X):c.437G>A (p.Arg146Lys)

Gene: USP9X (ubiquitin specific peptidase 9 X-linked; plus strand). Cytogenetic location: Xp11.4.
Variant type: single nucleotide variant.
Coding change: c.437G>A on transcript NM_001039591.3 (MANE Select); coding-DNA position 437, G replaced by A.
Protein change: p.Arg146Lys; replaces arginine 146 with lysine.
Molecular consequence: missense variant.
Genome position (GRCh38, 1-based): chrX:41,136,805, G>A. VCF-style: chrX-41136805-G-A. GRCh37 (hg19) VCF-style: chrX-40996058-G-A.
Other names: c.437G>A, p.Arg146Lys (NM_001039590.3); short protein forms R146K.
Identifiers: ClinVar variation 932203 (VCV000932203.1), dbSNP rs374612695, ClinGen allele CA10388315.